The following is an entry in ClinVar:

NM_014363.6(SACS):c.703G>T (p.Asp235Tyr)

Gene: SACS (sacsin molecular chaperone; minus strand). Cytogenetic location: 13q12.12.
Variant type: single nucleotide variant.
Coding change: c.703G>T on transcript NM_014363.6 (MANE Select); coding-DNA position 703, G replaced by T.
Protein change: p.Asp235Tyr; replaces aspartic acid 235 with tyrosine.
Molecular consequence: missense variant.
Genome position (GRCh38, 1-based): chr13:23,355,909, C>A on the plus strand (G>T on the coding strand, the complement: SACS is on the minus strand). VCF-style: chr13-23355909-C-A. GRCh37 (hg19) VCF-style: chr13-23930048-C-A.
Other names: c.262G>T, p.Asp88Tyr (NM_001278055.2); short protein forms D88Y, D235Y.
Identifiers: ClinVar variation 1907046 (VCV001907046.5), dbSNP rs1156265936, ClinGen allele CA387551328.

ClinVar aggregate classification (germline): Uncertain significance (1 of 4 stars; one submission).

Conditions:
Spastic paraplegia. Identifiers: MedGen C0037772, HP:0001258.

Submission:

Labcorp Genetics (formerly Invitae), Labcorp
Classification: Uncertain significance for Spastic paraplegia. Last evaluated: 2022-08-03. Review status: criteria provided, single submitter. Criteria: Invitae Variant Classification Sherloc (09022015). Collection method: clinical testing. Allele origin: germline.
Comment: This sequence change replaces aspartic acid, which is acidic and polar, with tyrosine, which is neutral and polar, at codon 235 of the SACS protein (p.Asp235Tyr). This variant is not present in population databases (gnomAD no frequency). In summary, the available evidence is currently insufficient to determine the role of this variant in disease. Therefore, it has been classified as a Variant of Uncertain Significance. Advanced modeling of protein sequence and biophysical properties (such as structural, functional, and spatial information, amino acid conservation, physicochemical variation, residue mobility, and thermodynamic stability) performed at Invitae indicates that this missense variant is not expected to disrupt SACS protein function. This variant has not been reported in the literature in individuals affected with SACS-related conditions.